The following is an entry in ClinVar:

ClinVar aggregate classification (germline): Pathogenic. Review status: reviewed by expert panel (3 of 4 stars). 8 submissions from 8 submitters: Pathogenic (1). 7 of the submissions do not count toward it. Last evaluated 2025-08-03.

Conditions:
RPGR-related retinopathy. Also called: RPGR retinopathy. Identifiers: MedGen CN305589, MONDO:0100437.
Retinitis pigmentosa 3. Also called: CHOROIDORETINAL DEGENERATION WITH RETINAL REFLEX IN HETEROZYGOUS WOMEN. Identifiers: Orphanet 791, MedGen C1845667, MONDO:0010227, OMIM 300029.
RPGR-related disorder. Also called: RPGR-related condition.
Primary ciliary dyskinesia. Also called: Ciliary dyskinesia. Identifiers: Orphanet 244, MedGen C0008780, MONDO:0016575, HP:0012265.

Submissions (8):

ClinGen X-linked Inherited Retinal Disease Variant Curation Expert Panel, ClinGen
Classification: Pathogenic for RPGR-related retinopathy. Last evaluated: 2025-08-03. Review status: reviewed by expert panel. Criteria: ClinGen X LinkedIRD ACMG Specifications RPGR V1.0.0. Collection method: curation. Allele origin: germline. Inheritance: X-linked inheritance.
Comment: NM_001034853.2(RPGR):c.2218G>T (p.Glu740Ter) is a nonsense variant that substitutes a premature stop codon for amino acid 740 within exon 15, which is predicted to disrupt a critical C-terminal region required for proper glutamylation of RPGR (PVS1, PMID: 36445968). This variant is absent from gnomAD v4.1.0 (PM2_Supporting). At least one proband harboring this variant exhibits a phenotype including presentation with night blindness (0.5 pts) with onset at age 7 years (1 pt), reduced visual acuity (0.5 pts), diminished electroretinogram responses from rods, fundus appearance showing widespread retinal pigment epithelium degeneration with pigment deposits (0.5 pts), optic disc pallor (0.5 pts), cataract, severe macular degeneration, artery attenuation, and genotyping by next-generation sequencing with a 483-gene panel showing no alternative basis for inherited retinal disease (2 pts), which together are specific for RPGR-related retinopathy (5 points, PMID: 36276946, PP4). In summary, this variant is classified as pathogenic for RPGR-related retinopathy based on the ClinGen X-linked Inherited Retinal Disease Expert Panel Specifications to the ACMG/AMP Variant Interpretation Guidelines for RPGR Version 1.0.0; PVS1, PM2_Supporting, and PP4. (date of approval 05/16/2025).

3billion
Classification: Pathogenic for RPGR-related disorder. Last evaluated: 2025-12-23. Review status: criteria provided, single submitter. Criteria: ACMG Guidelines, 2015. Collection method: clinical testing. Allele origin: germline. Affected: yes. Not counted in ClinVar's aggregate classification.
Comment: The variant is not observed in the gnomAD v4.1.0 dataset. Predicted Consequence/Location: Stop-gained (nonsense): predicted to result in a loss or disruption of normal protein function through protein truncation. Multiple pathogenic variants are reported in the predicted truncated region. The variant has been reported multiple times as an established pathogenic variant (ClinVar ID: VCV001275779). Therefore, this variant is classified as Pathogenic according to the recommendation of ACMG/AMP guideline.

Labcorp Genetics (formerly Invitae), Labcorp
Classification: Pathogenic for Primary ciliary dyskinesia. Last evaluated: 2023-12-11. Review status: criteria provided, single submitter. Criteria: Invitae Variant Classification Sherloc (09022015). Collection method: clinical testing. Allele origin: germline. Not counted in ClinVar's aggregate classification.
Comment: This sequence change creates a premature translational stop signal (p.Glu740*) in the RPGR (ORF15) gene. While this is not anticipated to result in nonsense mediated decay, it is expected to disrupt the last 413 amino acid(s) of the RPGR (ORF15) protein. This variant is not present in population databases (gnomAD no frequency). This premature translational stop signal has been observed in individual(s) with retinitis pigmentosa (PMID: 23372056, 32702353). ClinVar contains an entry for this variant (Variation ID: 1275779). This variant disrupts a region of the RPGR (ORF15) protein in which other variant(s) (p.Leu1130Lysfs*13) have been determined to be pathogenic (PMID: 22264887; Invitae). This suggests that this is a clinically significant region of the protein, and that variants that disrupt it are likely to be disease-causing. For these reasons, this variant has been classified as Pathogenic.

GeneDx
Classification: Pathogenic. Last evaluated: 2023-05-11. Review status: criteria provided, single submitter. Criteria: GeneDx Variant Classification Process June 2021. Collection method: clinical testing. Allele origin: germline. Affected: yes. Not counted in ClinVar's aggregate classification.
Comment: Nonsense variant predicted to result in protein truncation, as the last 413 amino acids are lost, and other loss-of-function variants have been reported downstream in HGMD; Not observed at significant frequency in large population cohorts (gnomAD); This variant is associated with the following publications: (PMID: 9350809, 35432464, 11950860)

PreventionGenetics, part of Exact Sciences
Classification: Pathogenic. Last evaluated: 2022-09-19. Review status: criteria provided, single submitter. Criteria: ACMG Guidelines, 2015. Collection method: clinical testing. Allele origin: germline. Not counted in ClinVar's aggregate classification.

Mendelics
Classification: Pathogenic for Retinitis pigmentosa 3. Last evaluated: 2022-05-04. Review status: criteria provided, single submitter. Criteria: Mendelics Assertion Criteria 2019. Collection method: clinical testing. Allele origin: germline. Not counted in ClinVar's aggregate classification.

Institute of Medical Genetics and Applied Genomics, University Hospital Tübingen
Classification: Pathogenic. Last evaluated: 2021-09-15. Review status: criteria provided, single submitter. Criteria: ACMG Guidelines, 2015. Collection method: clinical testing. Allele origin: germline. Inheritance: X-linked recessive inheritance. Affected: yes. Not counted in ClinVar's aggregate classification.

Blueprint Genetics
Classification: Pathogenic for RPGR-related disorders. Last evaluated: 2020-04-27. Review status: criteria provided, single submitter. Criteria: ACMG Guidelines, 2015. Collection method: clinical testing. Allele origin: germline. Affected: yes. Observed: 5 variant alleles. Not counted in ClinVar's aggregate classification.

Literature cited by the submitters: PubMed 23372056 (cited by Labcorp Genetics (formerly Invitae), Labcorp); PubMed 32702353 (cited by Labcorp Genetics (formerly Invitae), Labcorp); PubMed 22264887 (cited by Labcorp Genetics (formerly Invitae), Labcorp).

NM_001034853.2(RPGR):c.2218G>T (p.Glu740Ter)

Gene: RPGR (retinitis pigmentosa GTPase regulator; minus strand). Cytogenetic location: Xp11.4.
Variant type: single nucleotide variant.
Coding change: c.2218G>T on transcript NM_001034853.2 (MANE Select); coding-DNA position 2218, G replaced by T.
Protein change: p.Glu740Ter; replaces glutamic acid 740 with a stop codon.
Molecular consequence: nonsense. On other transcripts: intron variant (8).
Genome position (GRCh38, 1-based): chrX:38,286,781, C>A on the plus strand (G>T on the coding strand, the complement: RPGR is on the minus strand). VCF-style: chrX-38286781-C-A. GRCh37 (hg19) VCF-style: chrX-38146034-C-A.
Other names: NM_001034853.2(RPGR):c.2218G>T; p.Glu740Ter; c.1569+4178G>T (NM_001367249.1, NM_001367250.1); c.1902+313G>T (NM_001367245.1); c.1386+4178G>T (NM_001367251.1); c.1719+313G>T (NM_001367246.1); c.1572+4178G>T (NM_001367247.1); c.1905+313G>T (NM_000328.3); and 2 more; short protein forms E740*.
Identifiers: ClinVar variation 1275779 (VCV001275779.14), dbSNP rs983693027, ClinGen allele CA327916189.
Genomic context (GRCh38, chrX:38,286,781, plus strand): 5'-CTCCTTCCTCTTTCCCTTCTCCCTCCTTCTCTTCTTCCTCTTCTCTGTCTCCCTCCTCTT[C>A]TTCTCCTTCTCCATGCTCCTCCTCCCCTCCCTCCTCCATCTCTTGGTTTCTTTCCTTCTG-3'